The following is an entry in ClinVar:

ClinVar aggregate classification (germline): Likely benign (0 of 4 stars; one submission).

Conditions:
ARHGEF28-related disorder. Also called: ARHGEF28-related condition.

Submission:

PreventionGenetics, part of Exact Sciences
Classification: Likely benign for ARHGEF28-related condition. Last evaluated: 2023-06-07. Review status: no assertion criteria provided. Collection method: clinical testing. Allele origin: germline.
Comment: This variant is classified as likely benign based on ACMG/AMP sequence variant interpretation guidelines (Richards et al. 2015 PMID: 25741868, with internal and published modifications).

NM_001177693.2(ARHGEF28):c.3777T>C (p.Leu1259=)

Gene: ARHGEF28 (Rho guanine nucleotide exchange factor 28; plus strand). Cytogenetic location: 5q13.2.
Variant type: single nucleotide variant.
Coding change: c.3777T>C on transcript NM_001177693.2 (MANE Select); coding-DNA position 3777, T replaced by C.
Protein change: p.Leu1259=; no amino-acid change (leucine 1259 retained).
Molecular consequence: synonymous variant.
Genome position (GRCh38, 1-based): chr5:73,894,511, T>C. VCF-style: chr5-73894511-T-C. GRCh37 (hg19) VCF-style: chr5-73190336-T-C.
Other names: c.3777T>C, p.Leu1259= (NM_001080479.3, NM_001388078.1); c.2838T>C, p.Leu946= (NM_001244364.2); c.3483T>C, p.Leu1161= (NM_001388076.1).
Identifiers: ClinVar variation 3054449 (VCV003054449.2), dbSNP rs2531143655, ClinGen allele CA444846484.